The following is an entry in ClinVar:

NM_005573.4(LMNB1):c.1228C>T (p.Arg410Cys)

Gene: LMNB1 (lamin B1; plus strand). Cytogenetic location: 5q23.2.
Variant type: single nucleotide variant.
Coding change: c.1228C>T on transcript NM_005573.4 (MANE Select); coding-DNA position 1228, C replaced by T.
Protein change: p.Arg410Cys; replaces arginine 410 with cysteine.
Molecular consequence: missense variant. On other transcripts: non-coding transcript variant (1).
Genome position (GRCh38, 1-based): chr5:126,820,977, C>T. VCF-style: chr5-126820977-C-T. GRCh37 (hg19) VCF-style: chr5-126156669-C-T.
Other names: c.598C>T, p.Arg200Cys (NM_001198557.2); short protein forms R200C, R410C.
Identifiers: ClinVar variation 1498612 (VCV001498612.6), dbSNP rs955383959, ClinGen allele CA126928279.
Genomic context (GRCh38, chr5:126,820,977, plus strand): 5'-CTGTCTCCAAGCCCTTCTTCCCGTGTGACAGTATCCCGAGCATCCTCAAGTCGTAGTGTA[C>T]GTACAACTAGAGGAAAGCGGAAGAGGGTTGATGTGGAAGAATCAGAGGCGAGTAGTAGTG-3'
Protein context (NP_005564.1, residues 400-420): VSRASSSRSV[Arg410Cys]TTRGKRKRVD

ClinVar aggregate classification (germline): Uncertain significance (1 of 4 stars; one submission).

Allele frequency attached by ClinVar (database versions not stated): gnomAD exomes below 0.00001; TOPMed 0.00001.
gnomAD v4.1: 4 of 1,613,974 alleles (0.00025%); highest among the groups gnomAD compares: South Asian, 0.0011%; no homozygotes.

Submission:

Labcorp Genetics (formerly Invitae), Labcorp
Classification: Uncertain significance. Last evaluated: 2021-12-22. Review status: criteria provided, single submitter. Criteria: Invitae Variant Classification Sherloc (09022015). Collection method: clinical testing. Allele origin: germline.
Comment: This sequence change replaces arginine, which is basic and polar, with cysteine, which is neutral and slightly polar, at codon 410 of the LMNB1 protein (p.Arg410Cys). In summary, the available evidence is currently insufficient to determine the role of this variant in disease. Therefore, it has been classified as a Variant of Uncertain Significance. Advanced modeling of protein sequence and biophysical properties (such as structural, functional, and spatial information, amino acid conservation, physicochemical variation, residue mobility, and thermodynamic stability) performed at Invitae indicates that this missense variant is not expected to disrupt LMNB1 protein function. This variant has not been reported in the literature in individuals affected with LMNB1-related conditions. This variant is not present in population databases (gnomAD no frequency).